The following is an entry in ClinVar:

ClinVar aggregate classification (germline): Pathogenic. Review status: criteria provided, multiple submitters, no conflicts (2 of 4 stars). 2 submissions from 2 submitters: Pathogenic (2). Last evaluated 2025-10-21.

Conditions:
Hereditary cancer-predisposing syndrome. Also called: Hereditary Cancer Syndrome; Neoplastic Syndromes, Hereditary; Hereditary neoplastic syndrome; Tumor predisposition. Identifiers: Orphanet 140162, MedGen C0027672, MeSH D009386, MONDO:0015356.
Cardiovascular phenotype. Identifiers: MedGen CN230736.
Neurofibromatosis, type 1 (NF1). Also called: Peripheral type neurofibromatosis; Neurofibromatosis, type I; NEUROFIBROMATOSIS, TYPE I, SOMATIC; VON RECKLINGHAUSEN DISEASE. Identifiers: Orphanet 636, MedGen C0027831, MONDO:0018975, OMIM 162200. Disease mechanism: loss of function.

Submissions (2):

Labcorp Genetics (formerly Invitae), Labcorp
Classification: Pathogenic for Neurofibromatosis, type 1. Last evaluated: 2025-10-21. Review status: criteria provided, single submitter. Criteria: Invitae Variant Classification Sherloc (09022015). Collection method: clinical testing. Allele origin: germline.
Comment: This sequence change creates a premature translational stop signal (p.Arg652Valfs*36) in the NF1 gene. It is expected to result in an absent or disrupted protein product. Loss-of-function variants in NF1 are known to be pathogenic (PMID: 10712197, 23913538). This variant is not present in population databases (gnomAD no frequency). This variant has not been reported in the literature in individuals affected with NF1-related conditions. ClinVar contains an entry for this variant (Variation ID: 820406). Algorithms developed to predict the effect of sequence changes on RNA splicing suggest that this variant may disrupt the consensus splice site. For these reasons, this variant has been classified as Pathogenic.

Ambry Genetics
Classification: Pathogenic for Cardiovascular phenotype; Hereditary cancer-predisposing syndrome. Last evaluated: 2019-05-14. Review status: criteria provided, single submitter. Criteria: Ambry Variant Classification Scheme 2023. Collection method: clinical testing. Allele origin: germline.
Comment: The c.1954delC pathogenic mutation, located in coding exon 17 of the NF1 gene, results from a deletion of one nucleotide at nucleotide position 1954, causing a translational frameshift with a predicted alternate stop codon (p.R652Vfs*36). This alteration is expected to result in loss of function by premature protein truncation or nonsense-mediated mRNA decay. As such, this alteration is interpreted as a disease-causing mutation.

Literature cited by the submitters: PubMed 10712197 (cited by Labcorp Genetics (formerly Invitae), Labcorp); PubMed 23913538 (cited by Labcorp Genetics (formerly Invitae), Labcorp).

NM_001042492.3(NF1):c.1954del (p.Arg652fs)

Gene: NF1 (neurofibromin 1; plus strand). Cytogenetic location: 17q11.2.
Variant type: Deletion.
Coding change: c.1954del on transcript NM_001042492.3 (MANE Select); coding-DNA position 1954, one base deleted (C; older notation c.1954delC).
Protein change: p.Arg652fs; shifts the reading frame from arginine 652.
Molecular consequence: frameshift variant.
Genome position (GRCh38, 1-based): chr17:31,225,203, C deleted. VCF-style (leftmost placement, unchanged base first): chr17-31225202-AC-A. GRCh37 (hg19) VCF-style: chr17-29552220-AC-A.
Other names: c.1954delC, p.Arg652Valfs (NM_000267.4); c.1954delC (NM_000267.3); short protein forms R652fs.
Identifiers: ClinVar variation 820406 (VCV000820406.9), dbSNP rs1597710675, ClinGen allele CA915949700.
Genomic context (GRCh38, chr17:31,225,202, plus strand): 5'-ATGTGATATTCCTTCTAGTGGAAATACCAGTCAAATGTCCATGGATCATGAAGAATTACT[AC>A]GTACTCCTGGAGCCTCTCTCCGGAAGGGAAAAGGGAACTCCTCTATGGTCAGCTTCTTCT-3'